The following is an entry in ClinVar:

ClinVar aggregate classification (germline): Uncertain significance (1 of 4 stars; one submission).

Submission:

GeneDx
Classification: Uncertain significance. Last evaluated: 2024-11-06. Review status: criteria provided, single submitter. Criteria: GeneDx Variant Classification Process June 2021. Collection method: clinical testing. Allele origin: germline. Affected: yes.
Comment: Not observed at significant frequency in large population cohorts (gnomAD); In silico analysis indicates that this missense variant does not alter protein structure/function; Has not been previously published as pathogenic or benign to our knowledge

NM_003718.5(CDK13):c.3421A>G (p.Lys1141Glu)

Gene: CDK13 (cyclin dependent kinase 13; plus strand). Cytogenetic location: 7p14.1.
Variant type: single nucleotide variant.
Coding change: c.3421A>G on transcript NM_003718.5 (MANE Select); coding-DNA position 3421, A replaced by G.
Protein change: p.Lys1141Glu; replaces lysine 1141 with glutamic acid.
Molecular consequence: missense variant.
Genome position (GRCh38, 1-based): chr7:40,092,970, A>G. VCF-style: chr7-40092970-A-G. GRCh37 (hg19) VCF-style: chr7-40132569-A-G.
Other names: c.3241A>G, p.Lys1081Glu (NM_031267.4); short protein forms K1081E, K1141E.
Identifiers: ClinVar variation 3899133 (VCV003899133.1).